The following is an entry in ClinVar:

ClinVar aggregate classification (germline): Uncertain significance. Review status: criteria provided, multiple submitters, no conflicts (2 of 4 stars). 3 submissions from 3 submitters: Uncertain significance (3). Last evaluated 2023-10-05.

Conditions:
Inborn genetic diseases. Identifiers: MedGen C0950123, MeSH D030342.

Allele frequency attached by ClinVar (database versions not stated): gnomAD exomes 0.00002; TOPMed 0.00002; gnomAD 0.00003.
gnomAD v4.1: 27 of 1,377,950 alleles (0.002%); highest among the groups gnomAD compares: South Asian, 0.011%; no homozygotes.

Submissions (3):

Ambry Genetics
Classification: Uncertain significance for Inborn genetic diseases. Last evaluated: 2023-10-05. Review status: criteria provided, single submitter. Criteria: Ambry Variant Classification Scheme 2023. Collection method: clinical testing. Allele origin: germline.

Labcorp Genetics (formerly Invitae), Labcorp
Classification: Uncertain significance. Last evaluated: 2022-04-15. Review status: criteria provided, single submitter. Criteria: Invitae Variant Classification Sherloc (09022015). Collection method: clinical testing. Allele origin: germline.
Comment: This sequence change replaces isoleucine, which is neutral and non-polar, with valine, which is neutral and non-polar, at codon 603 of the CEP78 protein (p.Ile603Val). This variant is present in population databases (no rsID available, gnomAD 0.01%). This variant has not been reported in the literature in individuals affected with CEP78-related conditions. Algorithms developed to predict the effect of missense changes on protein structure and function are either unavailable or do not agree on the potential impact of this missense change (SIFT: "Deleterious"; PolyPhen-2: "Possibly Damaging"; Align-GVGD: "Class C0"). In summary, the available evidence is currently insufficient to determine the role of this variant in disease. Therefore, it has been classified as a Variant of Uncertain Significance.

Blueprint Genetics
Classification: Uncertain significance. Last evaluated: 2021-02-26. Review status: criteria provided, single submitter. Criteria: ACMG Guidelines, 2015. Collection method: clinical testing. Allele origin: germline.

NM_001330691.3(CEP78):c.1804A>G (p.Ile602Val)

Gene: CEP78 (centrosomal protein 78; plus strand). Cytogenetic location: 9q21.2.
Variant type: single nucleotide variant.
Coding change: c.1804A>G on transcript NM_001330691.3 (MANE Select); coding-DNA position 1804, A replaced by G.
Protein change: p.Ile602Val; replaces isoleucine 602 with valine.
Molecular consequence: missense variant. On other transcripts: intron variant (4).
Genome position (GRCh38, 1-based): chr9:78,265,865, A>G. VCF-style: chr9-78265865-A-G. GRCh37 (hg19) VCF-style: chr9-80880781-A-G.
Other names: c.1807A>G (NM_001098802.1); c.1807A>G, p.Ile603Val (NM_001098802.3, NM_001349839.2); c.1804A>G, p.Ile602Val (NM_001349838.2); c.1800+322A>G (NM_001349840.2, NM_032171.3); c.1797+322A>G (NM_001330693.3, NM_001330694.2); short protein forms I602V, I603V.
Identifiers: ClinVar variation 1951913 (VCV001951913.5), dbSNP rs1313881536, ClinGen allele CA373866586.
Genomic context (GRCh38, chr9:78,265,865, plus strand): 5'-ATGATTTTCAATTTTCAATTTTATAAATGTCTATTCTATTCATATTCCATCTAGGTTTCT[A>G]TTTGTATGCAGTCAGCTTACAATGAAGGAACACTAATGAAGGTACAAGTACTGATATAGA-3'
Protein context (NP_001317620.1, residues 592-612): LGQMQNIQVS[Ile602Val]CMQSAYNEGT